The following is an entry in ClinVar:

ClinVar aggregate classification (germline): Likely pathogenic (1 of 4 stars; one submission).

Conditions:
Cerebral cavernous malformation (CCM). Also called: Cerebral cavernous malformations; Cavernous Hemangioma of Brain; Cerebral cavernous hemangioma (type); CAVERNOUS ANGIOMA, FAMILIAL; CAVERNOUS ANGIOMATOUS MALFORMATIONS; CEREBRAL CAPILLARY MALFORMATIONS. Identifiers: Orphanet 221061, MedGen C2919945, MONDO:0000820, OMIM 116860, HP:0033522.

Submission:

Labcorp Genetics (formerly Invitae), Labcorp
Classification: Likely pathogenic for Cerebral cavernous malformation. Last evaluated: 2025-02-20. Review status: criteria provided, single submitter. Criteria: Invitae Variant Classification Sherloc (09022015). Collection method: clinical testing. Allele origin: germline.
Comment: This sequence change replaces glycine, which is neutral and non-polar, with arginine, which is basic and polar, at codon 235 of the KRIT1 protein (p.Gly235Arg). RNA analysis indicates that this missense change induces altered splicing and may result in an absent or altered protein product. This variant is not present in population databases (gnomAD no frequency). This missense change has been observed in individuals with clinical features of KRIT1-related conditions (PMID: 20351573, 30161288; internal data). Invitae Evidence Modeling of protein sequence and biophysical properties (such as structural, functional, and spatial information, amino acid conservation, physicochemical variation, residue mobility, and thermodynamic stability) indicates that this missense variant is not expected to disrupt KRIT1 protein function with a negative predictive value of 80%. Studies have shown that this missense change results in activation of a cryptic splice site, and produces a non-functional protein and/or introduces a premature termination codon (PMID: 32285596). In summary, the currently available evidence indicates that the variant is pathogenic, but additional data are needed to prove that conclusively. Therefore, this variant has been classified as Likely Pathogenic.

Literature cited by the submitters: PubMed 20351573; PubMed 30161288; PubMed 32285596.

NM_194454.3(KRIT1):c.703G>A (p.Gly235Arg)

Gene: KRIT1 (KRIT1 ankyrin repeat containing; minus strand). Cytogenetic location: 7q21.2.
Variant type: single nucleotide variant.
Coding change: c.703G>A on transcript NM_194454.3 (MANE Select); coding-DNA position 703, G replaced by A.
Protein change: p.Gly235Arg; replaces glycine 235 with arginine.
Molecular consequence: missense variant. On other transcripts: intron variant (1).
Genome position (GRCh38, 1-based): chr7:92,235,429, C>T on the plus strand (G>A on the coding strand, the complement: KRIT1 is on the minus strand). VCF-style: chr7-92235429-C-T. GRCh37 (hg19) VCF-style: chr7-91864743-C-T.
Other names: c.703G>A, p.Gly235Arg (NM_001013406.2, NM_001350669.1, NM_001350670.1 and 29 more transcripts); c.15+105G>A (NM_001350671.1); short protein forms G235R.
Identifiers: ClinVar variation 4739086 (VCV004739086.1).